The following is an entry in ClinVar:

NM_182925.5(FLT4):c.3519C>G (p.Leu1173=)

Gene: FLT4 (fms related receptor tyrosine kinase 4; minus strand). Cytogenetic location: 5q35.3.
Variant type: single nucleotide variant.
Coding change: c.3519C>G on transcript NM_182925.5 (MANE Select); coding-DNA position 3519, C replaced by G.
Protein change: p.Leu1173=; no amino-acid change (leucine 1173 retained).
Molecular consequence: synonymous variant.
Genome position (GRCh38, 1-based): chr5:180,612,524, G>C on the plus strand (C>G on the coding strand, the complement: FLT4 is on the minus strand). VCF-style: chr5-180612524-G-C. GRCh37 (hg19) VCF-style: chr5-180039524-G-C.
Other names: c.3519C>G, p.Leu1173= (NM_001354989.2, NM_002020.5).
Identifiers: ClinVar variation 3035015 (VCV003035015.3), dbSNP rs144713414, ClinGen allele CA3605810.

ClinVar aggregate classification (germline): Likely benign. Review status: criteria provided, single submitter (1 of 4 stars). 2 submissions from 2 submitters: Likely benign (1). 1 of the submissions does not count toward it. Last evaluated 2021-08-19.

Conditions:
FLT4-related disorder. Also called: FLT4-related condition.

Allele frequency attached by ClinVar (database versions not stated): ESP Exome Variant Server 0.00038; 1000 Genomes Project 0.00060; 1000 Genomes Project 30x 0.00062; TOPMed 0.00074.
gnomAD v4.1: 168 of 1,613,716 alleles (0.01%); highest among the groups gnomAD compares: African/African-American, 0.21%; no homozygotes.

Submissions (2):

Blueprint Genetics
Classification: Likely benign. Last evaluated: 2021-08-19. Review status: criteria provided, single submitter. Criteria: ACMG Guidelines, 2015. Collection method: clinical testing. Allele origin: germline.

PreventionGenetics, part of Exact Sciences
Classification: Likely benign for FLT4-related condition. Last evaluated: 2019-07-31. Review status: no assertion criteria provided. Collection method: clinical testing. Allele origin: germline. Not counted in ClinVar's aggregate classification.
Comment: This variant is classified as likely benign based on ACMG/AMP sequence variant interpretation guidelines (Richards et al. 2015 PMID: 25741868, with internal and published modifications).